The following is an entry in ClinVar:

NM_017739.4(POMGNT1):c.1605-62G>A

Genes: POMGNT1 (protein O-linked mannose N-acetylglucosaminyltransferase 1 (beta 1,2-); minus strand), TSPAN1 (tetraspanin 1; plus strand). Cytogenetic location: 1p34.1.
Variant type: single nucleotide variant.
Coding change: c.1605-62G>A on transcript NM_017739.4 (MANE Select); 62 bases into the intron before coding-DNA position 1605, G replaced by A.
Molecular consequence: intron variant.
Genome position (GRCh38, 1-based): chr1:46,190,579, C>T on the plus strand (G>A on the coding strand, the complement: POMGNT1 is on the minus strand). VCF-style: chr1-46190579-C-T. GRCh37 (hg19) VCF-style: chr1-46656251-C-T.
Other names: c.1605-62G>A (NM_001243766.2, NM_001438686.1, NM_001438688.1 and 3 more transcripts); c.1539-62G>A (NM_001290129.3, NM_001438691.1, NM_001438692.1); c.1176-62G>A (NM_001290130.2).
Identifiers: ClinVar variation 1215960 (VCV001215960.20), dbSNP rs116579447, ClinGen allele CA21911116.

ClinVar aggregate classification (germline): Likely benign. Review status: criteria provided, multiple submitters, no conflicts (2 of 4 stars). 3 submissions from 3 submitters: Likely benign (3). Last evaluated 2026-09-01.

Allele frequency attached by ClinVar (database versions not stated): 1000 Genomes Project 30x 0.00265; 1000 Genomes Project 0.00339; ESP Exome Variant Server 0.00372; gnomAD 0.00383 and 0.00411.
gnomAD v4.1: 1,181 of 1,539,512 alleles (0.077%); highest among the groups gnomAD compares: African/African-American, 1.3%; 10 homozygotes.

Submissions (3):

CeGaT Center for Human Genetics Tuebingen
Classification: Likely benign. Last evaluated: 2026-09-01. Review status: criteria provided, single submitter. Criteria: CeGaT Center For Human Genetics Tuebingen Variant Classification Criteria Version 2. Collection method: clinical testing. Allele origin: germline. Affected: yes. Observed: 3 variant alleles.
Comment: POMGNT1: BS1

GeneDx
Classification: Likely benign. Last evaluated: 2018-08-03. Review status: criteria provided, single submitter. Criteria: GeneDx Variant Classification Process June 2021. Collection method: clinical testing. Allele origin: germline. Affected: yes.

Breakthrough Genomics
Classification: Likely benign. Review status: criteria provided, single submitter. Criteria: ACMG Guidelines, 2015. Collection method: not provided. Allele origin: germline. Inheritance: Autosomal recessive inheritance. Affected: yes.